The following is an entry in ClinVar:

NM_001276270.2(MBD4):c.1407A>G (p.Ile469Met)

Gene: MBD4 (methyl-CpG binding domain 4, DNA glycosylase; minus strand). Cytogenetic location: 3q21.3.
Variant type: single nucleotide variant.
Coding change: c.1407A>G on transcript NM_001276270.2 (MANE Select); coding-DNA position 1407, A replaced by G.
Protein change: p.Ile469Met; replaces isoleucine 469 with methionine.
Molecular consequence: missense variant.
Genome position (GRCh38, 1-based): chr3:129,433,234, T>C on the plus strand (A>G on the coding strand, the complement: MBD4 is on the minus strand). VCF-style: chr3-129433234-T-C. GRCh37 (hg19) VCF-style: chr3-129152077-T-C.
Other names: c.1425A>G, p.Ile475Met (NM_001276271.2, NM_001276272.2, NM_003925.3); c.471A>G, p.Ile157Met (NM_001276273.2); short protein forms I157M, I469M, I475M.
Identifiers: ClinVar variation 3870943 (VCV003870943.1).

ClinVar aggregate classification (germline): Uncertain significance (1 of 4 stars; one submission).

Conditions:
Inborn genetic diseases. Identifiers: MedGen C0950123, MeSH D030342.

Submission:

Ambry Genetics
Classification: Uncertain significance for Inborn genetic diseases. Last evaluated: 2025-02-21. Review status: criteria provided, single submitter. Criteria: Ambry Variant Classification Scheme 2023. Collection method: clinical testing. Allele origin: germline.
Comment: The p.I469M variant (also known as c.1407A>G), located in coding exon 6 of the MBD4 gene, results from an A to G substitution at nucleotide position 1407. The isoleucine at codon 469 is replaced by methionine, an amino acid with highly similar properties. This amino acid position is conserved. In addition, the in silico prediction for this alteration is inconclusive. Based on the available evidence, the clinical significance of this variant remains unclear.